The following is an entry in ClinVar:

ClinVar aggregate classification (germline): Conflicting classifications of pathogenicity. Review status: criteria provided, conflicting classifications (1 of 4 stars). 7 submissions from 7 submitters: Uncertain significance (4); Likely benign (3). Last evaluated 2025-07-17.

Conditions:
Hereditary cancer-predisposing syndrome. Also called: Tumor predisposition; Hereditary Cancer Syndrome; Hereditary neoplastic syndrome; Neoplastic Syndromes, Hereditary. Identifiers: Orphanet 140162, MedGen C0027672, MeSH D009386, MONDO:0015356.
Hereditary breast ovarian cancer syndrome. Also called: Breast and ovarian cancer; Hereditary breast and/or ovarian cancer syndrome; BRCA1- and BRCA2-Associated Hereditary Breast and Ovarian Cancer; Hereditary breast and ovarian cancer syndrome; Hereditary breast and ovarian cancer syndrome (HBOC); Hereditary breast and ovarian cancer. Identifiers: Orphanet 145, MedGen C0677776, MeSH D061325, MONDO:0003582. Disease mechanism: loss of function.
Breast-ovarian cancer, familial, susceptibility to, 1 (BROVCA1). Also called: BRCA1 Hereditary Breast and Ovarian Cancer; OVARIAN CANCER, SUSCEPTIBILITY TO. Identifiers: Orphanet 145, MedGen C2676676, MONDO:0011450, OMIM 604370. Disease mechanism: loss of function.

Allele frequency attached by ClinVar (database versions not stated): TOPMed below 0.00001; gnomAD 0.00001.

Submissions (8):

Ambry Genetics
Classification: Likely benign for Hereditary cancer-predisposing syndrome. Last evaluated: 2025-07-17. Review status: criteria provided, single submitter. Criteria: Ambry Variant Classification Scheme 2023. Collection method: clinical testing. Allele origin: germline.

Myriad Genetics, Inc.
Classification: Likely benign for Breast-ovarian cancer, familial, susceptibility to, 1. Last evaluated: 2025-01-22. Review status: criteria provided, single submitter. Criteria: Myriad Autosomal Dominant, Autosomal Recessive and X-Linked Classification Criteria (2023). Collection method: clinical testing. Allele origin: unknown.
Comment: This variant is considered likely benign. This variant is strongly associated with less severe personal and family histories of cancer, typical for individuals without pathogenic variants in this gene [PMID: 25085752].

Labcorp Genetics (formerly Invitae), Labcorp
Classification: Uncertain significance for Hereditary breast ovarian cancer syndrome. Last evaluated: 2024-11-15. Review status: criteria provided, single submitter. Criteria: Invitae Variant Classification Sherloc (09022015). Collection method: clinical testing. Allele origin: germline.
Comment: This sequence change replaces methionine, which is neutral and non-polar, with valine, which is neutral and non-polar, at codon 1652 of the BRCA1 protein (p.Met1652Val). This variant is not present in population databases (gnomAD no frequency). This variant has not been reported in the literature in individuals affected with BRCA1-related conditions. ClinVar contains an entry for this variant (Variation ID: 479222). Invitae Evidence Modeling incorporating data from in vitro experimental studies (PMID: 30209399) indicates that this missense variant is not expected to disrupt BRCA1 function with a negative predictive value of 95%. Experimental studies have shown that this missense change does not substantially affect BRCA1 function (PMID: 30209399). In summary, the available evidence is currently insufficient to determine the role of this variant in disease. Therefore, it has been classified as a Variant of Uncertain Significance.

Lupski Lab, Baylor-Hopkins CMG, Baylor College of Medicine
Classification: Likely benign for Breast-ovarian cancer, familial, susceptibility to, 1. Last evaluated: 2024-04-12. Review status: criteria provided, single submitter. Criteria: Dawood et al. (medRxiv. 2024). Collection method: curation. Allele origin: germline.
Comment: Each variant was annotated with functional scores from MAVE data which was translated into functional evidence codes. All other evidence codes and combining criteria were adhered to as closely as possible based on the ClinGen VCEP (Variant Curation Expert Panel) gene-specific recommendations. See Supplemental Figure 34 of final paper (Supp Fig. 28 in preprint: doi:10.1101/2024.04.11.24305690) for a table to see which lines of evidence we did not have data for. The ClinGen VCEPs are highly regarded as the gold-standard for gene-specific variant curation and are developed after extensive evaluation of the evidence by clinical and scientific experts for the particular gene to classify genomic variants on a spectrum from pathogenic to benign using the 2015 ACMG/AMP Variant Interpretation Guidelines as a backbone (PMID: 25741868). Reclassification of these VUS variants from gnomAD or All of Us focused only on variants originally prescribed as VUS in ClinVar. To ensure reproducibility, transparency, and increased throughput, all the procedures for annotating variants and assigning evidence codes were codified using Python. All code has been made freely available and is linked in the Code Availability section and all reclassified variants with evidence codes used can be found in Tables S18-19 (preprint: doi:10.1101/2024.04.11.24305690). For the MAVE data, the clinical curation and clinical strength assignment as per the ClinGen recommendations in Brnich et al. (2020) (PMID: 31892348) for or against pathogenicity or benignity of each of these MAVE datasets utilized in this study were previously published in Fayer et al. (2021) (PMID: 34793697).In brief, for BRCA1 variants, if a variant was categorized as FUNC (functional), it was assigned BS3 evidence and no PS3 evidence, whereas if it was categorized as LOF (loss of function), the variant was assigned PS3 evidence and no BS3 evidence. Variants categorized as INT (intermediate) were left unannotated. For the BRCA1 combining criteria, greater than or equal to 1 criteria of strong benign evidence was enough to reclassify the VUS as Likely Benign. This variant GRCh38:17:43070960:T>C was assigned evidence codes ['BS3', 'BP4'] and an overall classification of Likely benign

GeneDx
Classification: Uncertain significance. Last evaluated: 2023-11-07. Review status: criteria provided, single submitter. Criteria: GeneDx Variant Classification Process June 2021. Collection method: clinical testing. Allele origin: germline. Affected: yes.
Comment: Identified in individuals referred for multi-gene panel testing with personal or family history of cancer (PMID: 31853058); Not observed at significant frequency in large population cohorts (gnomAD); In silico analysis supports that this missense variant does not alter protein structure/function; Also known as 5073A>G; This variant is associated with the following publications: (PMID: 29884841, 32377563, 25348405, 31853058, 30209399)

All of Us Research Program, National Institutes of Health
Classification: Uncertain significance for Breast-ovarian cancer, familial, susceptibility to, 1. Last evaluated: 2023-06-26. Review status: criteria provided, single submitter. Criteria: ACMG Guidelines, 2015. Collection method: clinical testing. Allele origin: germline. Inheritance: Autosomal dominant inheritance. Observed: 1 variant allele, 1 heterozygote.
Comment: This missense variant replaces methionine with valine at codon 1652 of the BRCA1 protein. Computational prediction is inconclusive regarding the impact of this variant on protein structure and function (internally defined REVEL score threshold 0.5 < inconclusive < 0.7, PMID: 27666373). This variant has been reported to be functional in a haploid cell proliferation assay (PMID: 30209399). This variant has not been reported in individuals affected with hereditary cancer in the literature. This variant has not been identified in the general population by the Genome Aggregation Database (gnomAD). The available evidence is insufficient to determine the role of this variant in disease conclusively. Therefore, this variant is classified as a Variant of Uncertain Significance.

This study involves interpretation of variants in research participants for the purpose of population health screening. Participant phenotype was not available at the time of variant classification. Additional details can be found in publication PMID: 35346344, PMCID: PMC8962531

Quest Diagnostics Nichols Institute San Juan Capistrano
Classification: Uncertain significance. Last evaluated: 2019-03-13. Review status: criteria provided, single submitter. Criteria: Quest Diagnostics criteria. Collection method: clinical testing. Allele origin: germline.

Brotman Baty Institute, University of Washington
No classification provided (evidence only). Condition: Breast-ovarian cancer, familial 1. Review status: no classification provided. Collection method: in vitro. Allele origin: not applicable. Functional consequence: functionally_normal. Not counted in ClinVar's aggregate classification.
ClinVar note: "not provided" was previously submitted as the classification for the variant. However, the classification appeared to be based only on an observation of functional data so it was converted to no classification on 2025-07-30.

Literature cited by the submitters: PubMed 30209399 (cited by 3 submitters); PubMed 25085752 (cited by Myriad Genetics, Inc.); PubMed 39142283 (cited by Lupski Lab, Baylor-Hopkins CMG, Baylor College of Medicine); PubMed 34793697 (cited by Lupski Lab, Baylor-Hopkins CMG, Baylor College of Medicine); DOI 10.1101/2024.04.11.24305690 (cited by Lupski Lab, Baylor-Hopkins CMG, Baylor College of Medicine).

NM_007294.4(BRCA1):c.4954A>G (p.Met1652Val)

Gene: BRCA1 (BRCA1 DNA repair associated; minus strand). Cytogenetic location: 17q21.31.
Variant type: single nucleotide variant.
Coding change: c.4954A>G on transcript NM_007294.4 (MANE Select); coding-DNA position 4954, A replaced by G.
Protein change: p.Met1652Val; replaces methionine 1652 with valine.
Molecular consequence: missense variant. On other transcripts: non-coding transcript variant (1).
Genome position (GRCh38, 1-based): chr17:43,070,960, T>C on the plus strand (A>G on the coding strand, the complement: BRCA1 is on the minus strand). VCF-style: chr17-43070960-T-C. GRCh37 (hg19) VCF-style: chr17-41222977-T-C.
Other names: c.4741A>G, p.Met1581Val (NM_001407571.1, NM_001407899.1, NM_001407900.1 and 12 more transcripts); c.5020A>G, p.Met1674Val (NM_001407581.1, NM_001407582.1); c.5017A>G, p.Met1673Val (NM_001407583.1, NM_001407585.1, NM_001407587.1 and 1 more transcripts); c.5014A>G, p.Met1672Val (NM_001407590.1, NM_001407591.1); c.4954A>G, p.Met1652Val (NM_001407593.1, NM_001407594.1, NM_001407596.1 and 8 more transcripts); c.4951A>G, p.Met1651Val (NM_001407610.1, NM_001407611.1, NM_001407612.1 and 17 more transcripts); c.4948A>G, p.Met1650Val (NM_001407628.1, NM_001407629.1, NM_001407630.1 and 14 more transcripts); c.4897A>G, p.Met1633Val (NM_001407648.1); and 70 more; short protein forms M1652V, M1605V, M548V, M1673V, M1356V, M1583V, M1611V, M1626V.
Identifiers: ClinVar variation 479222 (VCV000479222.22), dbSNP rs1348949389, ClinGen allele CA10591615.